The following is an entry in ClinVar:

NM_000369.5(TSHR):c.647T>C (p.Ile216Thr)

Genes: TSHR-AS1 (TSHR antisense RNA 1; minus strand), TSHR (thyroid stimulating hormone receptor; plus strand). Cytogenetic location: 14q31.1.
Variant type: single nucleotide variant.
Coding change: c.647T>C on transcript NM_000369.5 (MANE Select); coding-DNA position 647, T replaced by C.
Protein change: p.Ile216Thr; replaces isoleucine 216 with threonine.
Molecular consequence: missense variant.
Genome position (GRCh38, 1-based): chr14:81,108,407, T>C. VCF-style: chr14-81108407-T-C. GRCh37 (hg19) VCF-style: chr14-81574751-T-C.
Other names: c.647T>C, p.Ile216Thr (NM_001018036.3, NM_001142626.3); short protein forms I216T.
Identifiers: ClinVar variation 3896123 (VCV003896123.2).

ClinVar aggregate classification (germline): Likely pathogenic (1 of 4 stars; one submission).

Conditions:
Hypothyroidism due to TSH receptor mutations. Also called: THYROID-STIMULATING HORMONE, RESISTANCE TO; TSH RESISTANCE; Hypothyroidism, congenital, nongoitrous, 1; HYPOTHYROIDISM DUE TO UNRESPONSIVENESS TO THYROTROPIN; HYPOTHYROIDISM, CONGENITAL, DUE TO TSH RESISTANCE; HYPOTHYROIDISM, NONAUTOIMMUNE. Identifiers: Orphanet 90673, MedGen C3493776, MONDO:0010142, OMIM 275200.

gnomAD v4.1: 25 of 1,613,832 alleles (0.0015%); highest among the groups gnomAD compares: East Asian, 0.0067%; no homozygotes.

Submission:

Women's Health and Genetics/Laboratory Corporation of America, LabCorp
Classification: Likely pathogenic for Hypothyroidism due to TSH receptor mutations. Last evaluated: 2025-04-22. Review status: criteria provided, single submitter. Criteria: LabCorp Variant Classification Summary - May 2015. Collection method: clinical testing. Allele origin: germline.
Comment: Variant summary: TSHR c.647T>C (p.Ile216Thr) results in a non-conservative amino acid change in the encoded protein sequence. Five of five in-silico tools predict a damaging effect of the variant on protein function. The variant allele was found at a frequency of 4.8e-05 in 251442 control chromosomes. This frequency is not significantly higher than estimated for a pathogenic variant in TSHR causing Hypothyroidism Due To TSH Receptor Mutations, allowing no conclusion about variant significance. c.647T>C has been observed along with a different second pathogenic/likely pathogenic variant in two individuals affected with congenital hypothyroidism (Zhang_2024, Fang_2019). These data indicate that the variant may be associated with disease. At least one publication reports experimental evidence evaluating an impact on protein function. The most pronounced variant effect results in about 15% of WT activity in 293T cells (Zhang_2024, Fang_2019). The following publications have been ascertained in the context of this evaluation (PMID: 38433572, 31356790). No submitters have cited clinical-significance assessments for this variant to ClinVar. Based on the evidence outlined above, the variant was classified as likely pathogenic.